The following is an entry in ClinVar:

NM_182914.3(SYNE2):c.5431C>T (p.Leu1811Phe)

Gene: SYNE2 (spectrin repeat containing nuclear envelope protein 2; plus strand). Cytogenetic location: 14q23.2.
Variant type: single nucleotide variant.
Coding change: c.5431C>T on transcript NM_182914.3 (MANE Select); coding-DNA position 5431, C replaced by T.
Protein change: p.Leu1811Phe; replaces leucine 1811 with phenylalanine.
Molecular consequence: missense variant.
Genome position (GRCh38, 1-based): chr14:64,021,935, C>T. VCF-style: chr14-64021935-C-T. GRCh37 (hg19) VCF-style: chr14-64488653-C-T.
Other names: c.5431C>T, p.Leu1811Phe (NM_015180.6); short protein forms L1811F.
Identifiers: ClinVar variation 3685605 (VCV003685605.2).
Genomic context (GRCh38, chr14:64,021,935, plus strand): 5'-CTACAGCAAAAACACAGTATGATATTACTTGAGAATCAAATAGGTTGTCTGACTCCTGAA[C>T]TCTCTGAATTGAAAAAGCAATATGAAAGTGTCAGTGATTTATTTAATACCAAAAAAAGTG-3'
Protein context (NP_878918.2, residues 1801-1821): ENQIGCLTPE[Leu1811Phe]SELKKQYESV

ClinVar aggregate classification (germline): Uncertain significance (1 of 4 stars; one submission).

Conditions:
Emery-Dreifuss muscular dystrophy 5, autosomal dominant (EDMD5). Also called: EMERY-DREIFUSS MUSCULAR DYSTROPHY 5. Identifiers: Orphanet 261, MedGen C2751805, MONDO:0013072, OMIM 612999.

Submission:

Labcorp Genetics (formerly Invitae), Labcorp
Classification: Uncertain significance for Emery-Dreifuss muscular dystrophy 5, autosomal dominant. Last evaluated: 2025-02-17. Review status: criteria provided, single submitter. Criteria: Invitae Variant Classification Sherloc (09022015). Collection method: clinical testing. Allele origin: germline.
Comment: This sequence change replaces leucine, which is neutral and non-polar, with phenylalanine, which is neutral and non-polar, at codon 1811 of the SYNE2 protein (p.Leu1811Phe). This variant is not present in population databases (gnomAD no frequency). This variant has not been reported in the literature in individuals affected with SYNE2-related conditions. An algorithm developed to predict the effect of missense changes on protein structure and function (PolyPhen-2) suggests that this variant is likely to be disruptive. In summary, the available evidence is currently insufficient to determine the role of this variant in disease. Therefore, it has been classified as a Variant of Uncertain Significance.